The following is an entry in ClinVar:

ClinVar aggregate classification (germline): Uncertain significance. Review status: criteria provided, multiple submitters, no conflicts (2 of 4 stars). 2 submissions from 2 submitters: Uncertain significance (2). Last evaluated 2025-09-24.

Conditions:
Inborn genetic diseases. Identifiers: MedGen C0950123, MeSH D030342.

Submissions (2):

Labcorp Genetics (formerly Invitae), Labcorp
Classification: Uncertain significance. Last evaluated: 2025-09-24. Review status: criteria provided, single submitter. Criteria: Invitae Variant Classification Sherloc (09022015). Collection method: clinical testing. Allele origin: germline.
Comment: This sequence change replaces leucine, which is neutral and non-polar, with proline, which is neutral and non-polar, at codon 547 of the FRMD7 protein (p.Leu547Pro). This variant is not present in population databases (gnomAD no frequency). This variant has not been reported in the literature in individuals affected with FRMD7-related conditions. An algorithm developed to predict the effect of missense changes on protein structure and function (PolyPhen-2) suggests that this variant is likely to be disruptive. In summary, the available evidence is currently insufficient to determine the role of this variant in disease. Therefore, it has been classified as a Variant of Uncertain Significance.

Ambry Genetics
Classification: Uncertain significance for Inborn genetic diseases. Last evaluated: 2025-09-01. Review status: criteria provided, single submitter. Criteria: Ambry Variant Classification Scheme 2023. Collection method: clinical testing. Allele origin: germline.

NM_194277.3(FRMD7):c.1640T>C (p.Leu547Pro)

Gene: FRMD7 (FERM domain containing 7; minus strand). Cytogenetic location: Xq26.2.
Variant type: single nucleotide variant.
Coding change: c.1640T>C on transcript NM_194277.3 (MANE Select); coding-DNA position 1640, T replaced by C.
Protein change: p.Leu547Pro; replaces leucine 547 with proline.
Molecular consequence: missense variant.
Genome position (GRCh38, 1-based): chrX:132,078,377, A>G on the plus strand (T>C on the coding strand, the complement: FRMD7 is on the minus strand). VCF-style: chrX-132078377-A-G. GRCh37 (hg19) VCF-style: chrX-131212405-A-G.
Other names: c.1595T>C, p.Leu532Pro (NM_001306193.2); short protein forms L547P, L532P.
Identifiers: ClinVar variation 4259932 (VCV004259932.2).